The following is an entry in ClinVar:

NM_003482.4(KMT2D):c.6814C>T (p.Leu2272=)

Gene: KMT2D (lysine methyltransferase 2D; minus strand). Cytogenetic location: 12q13.12.
Variant type: single nucleotide variant.
Coding change: c.6814C>T on transcript NM_003482.4 (MANE Select); coding-DNA position 6814, C replaced by T.
Protein change: p.Leu2272=; no amino-acid change (leucine 2272 retained).
Molecular consequence: synonymous variant.
Genome position (GRCh38, 1-based): chr12:49,040,956, G>A on the plus strand (C>T on the coding strand, the complement: KMT2D is on the minus strand). VCF-style: chr12-49040956-G-A. GRCh37 (hg19) VCF-style: chr12-49434739-G-A.
Identifiers: ClinVar variation 3357274 (VCV003357274.1).

ClinVar aggregate classification (germline): Likely benign (0 of 4 stars; one submission).

Conditions:
KMT2D-related disorder. Also called: KMT2D-Related Disorders.

gnomAD v4.1: 5 of 1,612,164 alleles (0.00031%); highest among the groups gnomAD compares: Non-Finnish European, 0.00042%; no homozygotes.

Submission:

PreventionGenetics, part of Exact Sciences
Classification: Likely benign for KMT2D-related condition. Last evaluated: 2024-08-23. Review status: no assertion criteria provided. Collection method: clinical testing. Allele origin: germline.
Comment: This variant is classified as likely benign based on ACMG/AMP sequence variant interpretation guidelines (Richards et al. 2015 PMID: 25741868, with internal and published modifications).